The following is an entry in ClinVar:

ClinVar aggregate classification (germline): Uncertain significance (1 of 4 stars; one submission).

Allele frequency attached by ClinVar (database versions not stated): gnomAD exomes 0.00004; gnomAD 0.00005 and 0.00006; ExAC 0.00007.
gnomAD v4.1: 51 of 1,613,886 alleles (0.0032%); highest among the groups gnomAD compares: African/African-American, 0.015%; no homozygotes.

Submission:

Labcorp Genetics (formerly Invitae), Labcorp
Classification: Uncertain significance. Last evaluated: 2022-11-01. Review status: criteria provided, single submitter. Criteria: Invitae Variant Classification Sherloc (09022015). Collection method: clinical testing. Allele origin: germline.
Comment: In summary, the available evidence is currently insufficient to determine the role of this variant in disease. Therefore, it has been classified as a Variant of Uncertain Significance. Algorithms developed to predict the effect of missense changes on protein structure and function are either unavailable or do not agree on the potential impact of this missense change (SIFT: "Not Available"; PolyPhen-2: "Probably Damaging"; Align-GVGD: "Not Available"). ClinVar contains an entry for this variant (Variation ID: 1054999). This variant has not been reported in the literature in individuals affected with ADAMTS18-related conditions. This variant is present in population databases (rs202167064, gnomAD 0.05%). This sequence change replaces valine, which is neutral and non-polar, with methionine, which is neutral and non-polar, at codon 299 of the ADAMTS18 protein (p.Val299Met).

NM_199355.4(ADAMTS18):c.895G>A (p.Val299Met)

Gene: ADAMTS18 (ADAM metallopeptidase with thrombospondin type 1 motif 18; minus strand). Cytogenetic location: 16q23.1.
Variant type: single nucleotide variant.
Coding change: c.895G>A on transcript NM_199355.4 (MANE Select); coding-DNA position 895, G replaced by A.
Protein change: p.Val299Met; replaces valine 299 with methionine.
Molecular consequence: missense variant.
Genome position (GRCh38, 1-based): chr16:77,364,265, C>T on the plus strand (G>A on the coding strand, the complement: ADAMTS18 is on the minus strand). VCF-style: chr16-77364265-C-T. GRCh37 (hg19) VCF-style: chr16-77398162-C-T.
Other names: c.379G>A, p.Val127Met (NM_001326358.2); short protein forms V127M, V299M.
Identifiers: ClinVar variation 1054999 (VCV001054999.7), dbSNP rs202167064, ClinGen allele CA8181514.